The following is an entry in ClinVar:

ClinVar aggregate classification (germline): Uncertain significance (1 of 4 stars; one submission).

Conditions:
Ehlers-Danlos syndrome, classic type, 1 (EDSCL1). Also called: EHLERS-DANLOS SYNDROME, GRAVIS TYPE; EHLERS-DANLOS SYNDROME, SEVERE CLASSIC TYPE; Ehlers-Danlos syndrome, type 1; EDS I; Ehlers-Danlos Syndrome, Classic Type, COL5A1-Related. Identifiers: MedGen C0268335, MONDO:0019567, OMIM 130000.

Allele frequency attached by ClinVar (database versions not stated): gnomAD exomes below 0.00001.
gnomAD v4.1: 6 of 1,614,228 alleles (0.00037%); highest among the groups gnomAD compares: Non-Finnish European, 0.00034%; no homozygotes.

Submission:

Labcorp Genetics (formerly Invitae), Labcorp
Classification: Uncertain significance for Ehlers-Danlos syndrome, classic type, 1. Last evaluated: 2022-09-07. Review status: criteria provided, single submitter. Criteria: Invitae Variant Classification Sherloc (09022015). Collection method: clinical testing. Allele origin: germline.
Comment: In summary, the available evidence is currently insufficient to determine the role of this variant in disease. Therefore, it has been classified as a Variant of Uncertain Significance. Advanced modeling of protein sequence and biophysical properties (such as structural, functional, and spatial information, amino acid conservation, physicochemical variation, residue mobility, and thermodynamic stability) performed at Invitae indicates that this missense variant is not expected to disrupt COL5A1 protein function. This variant has not been reported in the literature in individuals affected with COL5A1-related conditions. This variant is not present in population databases (gnomAD no frequency). This sequence change replaces glutamic acid, which is acidic and polar, with lysine, which is basic and polar, at codon 1822 of the COL5A1 protein (p.Glu1822Lys).

NM_000093.5(COL5A1):c.5464G>A (p.Glu1822Lys)

Genes: COL5A1 (collagen type V alpha 1 chain; plus strand), LOC101448202 (uncharacterized LOC101448202; minus strand). Cytogenetic location: 9q34.3.
Variant type: single nucleotide variant.
Coding change: c.5464G>A on transcript NM_000093.5 (MANE Select); coding-DNA position 5464, G replaced by A.
Protein change: p.Glu1822Lys; replaces glutamic acid 1822 with lysine.
Molecular consequence: missense variant.
Genome position (GRCh38, 1-based): chr9:134,842,250, G>A. VCF-style: chr9-134842250-G-A. GRCh37 (hg19) VCF-style: chr9-137734096-G-A.
Other names: c.5464G>A, p.Glu1822Lys (NM_001278074.1); short protein forms E1822K.
Identifiers: ClinVar variation 2073282 (VCV002073282.4), dbSNP rs2132943116, ClinGen allele CA375462008.
Genomic context (GRCh38, chr9:134,842,250, plus strand): 5'-ATCGACACCCCCAAAGTGGAGCAGGTGCCCATCGTGGACATCATGTTCAATGACTTCGGT[G>A]AAGCGTCACAGAAATTTGGATTTGAAGTGGGGCCGGCTTGCTTCATGGGCTAGGAGCCGC-3'
Protein context (NP_000084.3, residues 1812-1832): IVDIMFNDFG[Glu1822Lys]ASQKFGFEVG